The following is an entry in ClinVar:

ClinVar aggregate classification (germline): Uncertain significance (1 of 4 stars; one submission).

Conditions:
Amyotrophic lateral sclerosis type 21. Also called: VOCAL CORD AND PHARYNGEAL DYSFUNCTION WITH DISTAL MYOPATHY; MYOPATHY, DISTAL, 2. Identifiers: Orphanet 600, Orphanet 803, MedGen C3807521, MONDO:0011632, OMIM 606070.

gnomAD v4.1: 8 of 1,614,086 alleles (0.0005%); highest among the groups gnomAD compares: South Asian, 0.0044%; no homozygotes.

Submission:

Labcorp Genetics (formerly Invitae), Labcorp
Classification: Uncertain significance for Amyotrophic lateral sclerosis type 21. Last evaluated: 2022-02-24. Review status: criteria provided, single submitter. Criteria: Invitae Variant Classification Sherloc (09022015). Collection method: clinical testing. Allele origin: germline.
Comment: This variant has not been reported in the literature in individuals affected with MATR3-related conditions. This variant is present in population databases (no rsID available, gnomAD 0.006%). This sequence change replaces glycine, which is neutral and non-polar, with serine, which is neutral and polar, at codon 632 of the MATR3 protein (p.Gly632Ser). Algorithms developed to predict the effect of missense changes on protein structure and function output the following: SIFT: "Tolerated"; PolyPhen-2: "Benign"; Align-GVGD: "Class C0". The serine amino acid residue is found in multiple mammalian species, which suggests that this missense change does not adversely affect protein function. In summary, the available evidence is currently insufficient to determine the role of this variant in disease. Therefore, it has been classified as a Variant of Uncertain Significance.

NM_018834.6(MATR3):c.1894G>A (p.Gly632Ser)

Genes: MATR3 (matrin 3; plus strand), LOC126807526 (CDK7 strongly-dependent group 2 enhancer GRCh37_chr5:138657767-138658966; plus strand). Cytogenetic location: 5q31.2.
Variant type: single nucleotide variant.
Coding change: c.1894G>A on transcript NM_018834.6 (MANE Select); coding-DNA position 1894, G replaced by A.
Protein change: p.Gly632Ser; replaces glycine 632 with serine.
Molecular consequence: missense variant.
Genome position (GRCh38, 1-based): chr5:139,322,713, G>A. VCF-style: chr5-139322713-G-A. GRCh37 (hg19) VCF-style: chr5-138658402-G-A.
Other names: c.1894G>A, p.Gly632Ser (NM_001194954.2, NM_001194955.2, NM_001400441.1 and 16 more transcripts); c.1030G>A, p.Gly344Ser (NM_001194956.2); c.880G>A, p.Gly294Ser (NM_001282278.2, NM_001400460.1, NM_001400462.1 and 5 more transcripts); c.1033G>A, p.Gly345Ser (NM_001400459.1); c.994G>A, p.Gly332Ser (NM_001400461.1); short protein forms G294S, G332S, G344S, G345S, G632S.
Identifiers: ClinVar variation 2155065 (VCV002155065.4), dbSNP rs764454434, ClinGen allele CA361143795.
Genomic context (GRCh38, chr5:139,322,713, plus strand): 5'-ACTGATGGTTCCCAGAAGACTGAGAGTTCAACCGAAGGTAAAGAACAAGAAGAGAAGTCC[G>A]GTGAAGATGGTGAGAAAGACACAAAGGATGACCAGACAGAGCAGGAACCTAATATGCTTC-3'
Protein context (NP_061322.2, residues 622-642): TEGKEQEEKS[Gly632Ser]EDGEKDTKDD